The following is an entry in ClinVar:

ClinVar aggregate classification (germline): Likely pathogenic. Review status: criteria provided, multiple submitters, no conflicts (2 of 4 stars). 2 submissions from 2 submitters: Likely pathogenic (2). Last evaluated 2022-11-29.

Conditions:
Neurodegeneration with brain iron accumulation (NBIA). Identifiers: Orphanet 385, MedGen C2931845, MONDO:0018307.
Inborn genetic diseases. Identifiers: MedGen C0950123, MeSH D030342.

Submissions (2):

Women's Health and Genetics/Laboratory Corporation of America, LabCorp
Classification: Likely pathogenic for Neurodegeneration with brain iron accumulation. Last evaluated: 2022-11-29. Review status: criteria provided, single submitter. Criteria: LabCorp Variant Classification Summary - May 2015. Collection method: clinical testing. Allele origin: germline.
Comment: Variant summary: PLA2G6 c.1427+1G>C is located in a canonical splice-site and is predicted to affect mRNA splicing resulting in a significantly altered protein due to either exon skipping, shortening, or inclusion of intronic material. Several computational tools predict a significant impact on normal splicing: four predict the variant abolishes a 5' splicing donor site. However, these predictions have yet to be confirmed by functional studies. The variant was absent in 251100 control chromosomes (gnomAD). To our knowledge, no occurrence of c.1427+1G>C in individuals affected with Neurodegeneration with Brain Iron Accumulation and no experimental evidence demonstrating its impact on protein function have been reported. One clinical diagnostic laboratory has submitted clinical-significance assessments for this variant to ClinVar after 2014 without evidence for independent evaluation, and classified the variant as likely pathogenic. Based on the evidence outlined above, the variant was classified as likely pathogenic.

Ambry Genetics
Classification: Likely pathogenic for Inborn genetic diseases. Last evaluated: 2018-01-08. Review status: criteria provided, single submitter. Criteria: Ambry exome assertion method (8-5-2015). Collection method: clinical testing. Allele origin: germline. Affected: yes. Observed: 1 variant allele.

Literature cited by the submitters: PubMed 19138334 (cited by Ambry Genetics).

NM_003560.4(PLA2G6):c.1427+1G>C

Gene: PLA2G6 (phospholipase A2 group VI; minus strand). Cytogenetic location: 22q13.1.
Variant type: single nucleotide variant.
Coding change: c.1427+1G>C on transcript NM_003560.4 (MANE Select); the canonical splice donor site of the intron after coding-DNA position 1427, G replaced by C.
Molecular consequence: splice donor variant.
Genome position (GRCh38, 1-based): chr22:38,126,370, C>G on the plus strand (G>C on the coding strand, the complement: PLA2G6 is on the minus strand). VCF-style: chr22-38126370-C-G. GRCh37 (hg19) VCF-style: chr22-38522377-C-G.
Other names: c.749+1G>C (NM_001349868.2); c.1265+1G>C (NM_001349866.2, NM_001199562.3, NM_001349865.2 and 1 more transcripts); c.731+1G>C (NM_001349869.2); c.893+1G>C (NM_001349867.2); c.1427+1G>C (NM_001349864.2).
Identifiers: ClinVar variation 985342 (VCV000985342.4), dbSNP rs750939090, ClinGen allele CA411529025.